The following is an entry in ClinVar:

ClinVar aggregate classification (germline): Likely benign. Review status: criteria provided, multiple submitters, no conflicts (2 of 4 stars). 2 submissions from 2 submitters: Likely benign (2). Last evaluated 2024-04-25.

Conditions:
Cardiomyopathy (CMYO). Also called: Cardiomyopathies. Identifiers: Orphanet 167848, MedGen C0878544, MONDO:0004994, HP:0001638. Inheritance: Various modes of inheritance.
Catecholaminergic polymorphic ventricular tachycardia (CVPT). Also called: Catecholamine-induced polymorphic ventricular tachycardia. Identifiers: Orphanet 3286, MedGen C5574922, MONDO:0017990.

Submissions (2):

All of Us Research Program, National Institutes of Health
Classification: Likely benign for Catecholaminergic polymorphic ventricular tachycardia. Last evaluated: 2024-04-25. Review status: criteria provided, single submitter. Criteria: ACMG Guidelines, 2015. Collection method: clinical testing. Allele origin: germline. Inheritance: Autosomal dominant inheritance. Observed: 1 variant allele, 1 heterozygote.
Comment: This study involves interpretation of variants in research participants for the purpose of population health screening. Participant phenotype was not available at the time of variant classification. Additional details can be found in publication PMID: 35346344, PMCID: PMC8962531

Color Diagnostics, LLC DBA Color Health
Classification: Likely benign for Cardiomyopathy. Last evaluated: 2024-04-17. Review status: criteria provided, single submitter. Criteria: ACMG Guidelines, 2015. Collection method: clinical testing. Allele origin: germline.

NM_001035.3(RYR2):c.8976T>G (p.Ser2992=)

Gene: RYR2 (ryanodine receptor 2; plus strand). Cytogenetic location: 1q43.
Variant type: single nucleotide variant.
Coding change: c.8976T>G on transcript NM_001035.3 (MANE Select); coding-DNA position 8976, T replaced by G.
Protein change: p.Ser2992=; no amino-acid change (serine 2992 retained).
Molecular consequence: synonymous variant.
Genome position (GRCh38, 1-based): chr1:237,680,536, T>G. VCF-style: chr1-237680536-T-G. GRCh37 (hg19) VCF-style: chr1-237843836-T-G.
Identifiers: ClinVar variation 3385809 (VCV003385809.2).